The following is an entry in ClinVar:

ClinVar aggregate classification (germline): Pathogenic. Review status: reviewed by expert panel (3 of 4 stars). 10 submissions from 10 submitters: Pathogenic (1). 9 of the submissions do not count toward it. Last evaluated 2016-09-08.

Conditions:
Hereditary cancer-predisposing syndrome. Also called: Hereditary Cancer Syndrome; Hereditary neoplastic syndrome; Neoplastic Syndromes, Hereditary; Tumor predisposition. Identifiers: Orphanet 140162, MedGen C0027672, MeSH D009386, MONDO:0015356.
Breast-ovarian cancer, familial, susceptibility to, 1 (BROVCA1). Also called: BRCA1 Hereditary Breast and Ovarian Cancer; OVARIAN CANCER, SUSCEPTIBILITY TO. Identifiers: Orphanet 145, MedGen C2676676, MONDO:0011450, OMIM 604370. Disease mechanism: loss of function.
Hereditary breast ovarian cancer syndrome. Also called: BRCA1- and BRCA2-Associated Hereditary Breast and Ovarian Cancer; Hereditary breast and ovarian cancer syndrome; Hereditary breast and ovarian cancer syndrome (HBOC); Breast and ovarian cancer; Hereditary breast and/or ovarian cancer syndrome; Hereditary breast and ovarian cancer. Identifiers: Orphanet 145, MedGen C0677776, MeSH D061325, MONDO:0003582. Disease mechanism: loss of function.

Submissions (10):

Evidence-based Network for the Interpretation of Germline Mutant Alleles (ENIGMA)
Classification: Pathogenic for Breast-ovarian cancer, familial, susceptibility to, 1. Last evaluated: 2016-09-08. Review status: reviewed by expert panel. Criteria: ENIGMA BRCA1/2 Classification Criteria (2015). Collection method: curation. Allele origin: germline.
Comment: Variant allele predicted to encode a truncated non-functional protein.

Labcorp Genetics (formerly Invitae), Labcorp
Classification: Pathogenic for Hereditary breast ovarian cancer syndrome. Last evaluated: 2025-05-21. Review status: criteria provided, single submitter. Criteria: Invitae Variant Classification Sherloc (09022015). Collection method: clinical testing. Allele origin: germline. Not counted in ClinVar's aggregate classification.
Comment: This sequence change creates a premature translational stop signal (p.Lys1254Asnfs*2) in the BRCA1 gene. It is expected to result in an absent or disrupted protein product. Loss-of-function variants in BRCA1 are known to be pathogenic (PMID: 20104584). This variant is not present in population databases (gnomAD no frequency). This premature translational stop signal has been observed in individual(s) with personal and/or family history of breast and/or ovarian cancer (PMID: 29446198). This variant is also known as 3880insTT. ClinVar contains an entry for this variant (Variation ID: 91614). For these reasons, this variant has been classified as Pathogenic.

Quest Diagnostics Nichols Institute San Juan Capistrano
Classification: Pathogenic. Last evaluated: 2025-04-23. Review status: criteria provided, single submitter. Criteria: Quest Diagnostics criteria. Collection method: clinical testing. Allele origin: unknown. Not counted in ClinVar's aggregate classification.
Comment: The BRCA1 c.3761_3762insTT (p.Lys1254Asnfs*2) variant alters the translational reading frame of the BRCA1 mRNA and causes the premature termination of BRCA1 protein synthesis. This variant has been reported in the published literature in individuals with personal and/or family history of breast and/or ovarian cancer (PMIDs: 29446198 (2018), Quest internal data)). This variant has not been reported in large, multi-ethnic general populations (Genome Aggregation Database). Based on the available information, this variant is classified as pathogenic.

All of Us Research Program, National Institutes of Health
Classification: Pathogenic for Breast-ovarian cancer, familial, susceptibility to, 1. Last evaluated: 2024-01-08. Review status: criteria provided, single submitter. Criteria: ACMG Guidelines, 2015. Collection method: clinical testing. Allele origin: germline. Inheritance: Autosomal dominant inheritance. Observed: 1 variant allele, 1 heterozygote. Not counted in ClinVar's aggregate classification.
Comment: This variant inserts 2 nucleotides in exon 10 of the BRCA1 gene, creating a frameshift and premature translation stop signal. This variant is expected to result in an absent or non-functional protein product. To our knowledge, this variant has not been reported in individuals affected with BRCA1-related disorders in the literature. This variant has not been identified in the general population by the Genome Aggregation Database (gnomAD). Loss of BRCA1 function is a known mechanism of disease. Based on the available evidence, this variant is classified as Pathogenic.

This study involves interpretation of variants in research participants for the purpose of population health screening. Participant phenotype was not available at the time of variant classification. Additional details can be found in publication PMID: 35346344, PMCID: PMC8962531

Color Diagnostics, LLC DBA Color Health
Classification: Pathogenic for Hereditary cancer-predisposing syndrome. Last evaluated: 2023-11-08. Review status: criteria provided, single submitter. Criteria: ACMG Guidelines, 2015. Collection method: clinical testing. Allele origin: germline. Not counted in ClinVar's aggregate classification.
Comment: This variant inserts 2 nucleotides in exon 10 of the BRCA1 gene, creating a frameshift and premature translation stop signal. This variant is expected to result in an absent or non-functional protein product. To our knowledge, this variant has not been reported in individuals affected with BRCA1-related disorders in the literature. This variant has not been identified in the general population by the Genome Aggregation Database (gnomAD). Loss of BRCA1 function is a known mechanism of disease. Based on the available evidence, this variant is classified as Pathogenic.

Ambry Genetics
Classification: Pathogenic for Hereditary cancer-predisposing syndrome. Last evaluated: 2021-03-10. Review status: criteria provided, single submitter. Criteria: Ambry Variant Classification Scheme 2023. Collection method: clinical testing. Allele origin: germline. Not counted in ClinVar's aggregate classification.
Comment: The c.3761_3762insTT pathogenic mutation, located in coding exon 9 of the BRCA1 gene, results from an insertion of two nucleotides at position 3761, causing a translational frameshift with a predicted alternate stop codon (p.K1254Nfs*2). This alteration is expected to result in loss of function by premature protein truncation or nonsense-mediated mRNA decay. As such, this alteration is interpreted as a disease-causing mutation.

Consortium of Investigators of Modifiers of BRCA1/2 (CIMBA), c/o University of Cambridge
Classification: Pathogenic for Breast-ovarian cancer, familial, susceptibility to, 1. Last evaluated: 2015-10-02. Review status: criteria provided, single submitter. Criteria: CIMBA Mutation Classification guidelines May 2016. Collection method: clinical testing. Allele origin: germline. Not counted in ClinVar's aggregate classification.

Research Molecular Genetics Laboratory, Women's College Hospital, University of Toronto
Classification: Pathogenic for Hereditary breast ovarian cancer syndrome. Last evaluated: 2014-01-31. Review status: no assertion criteria provided. Collection method: research. Allele origin: germline. Affected: yes. Study: The Canadian Open Genetics Repository (COGR). Not counted in ClinVar's aggregate classification.

Sharing Clinical Reports Project (SCRP)
Classification: Pathogenic for Breast-ovarian cancer, familial 1. Last evaluated: 2012-05-01. Review status: no assertion criteria provided. Collection method: clinical testing. Allele origin: germline. Not counted in ClinVar's aggregate classification.

Breast Cancer Information Core (BIC) (BRCA1)
Classification: Pathogenic for Breast-ovarian cancer, familial 1. Last evaluated: 2002-05-29. Review status: no assertion criteria provided. Collection method: clinical testing. Allele origin: germline. Affected: yes. Observed: 3 variant alleles. Not counted in ClinVar's aggregate classification.

Literature cited by the submitters: PubMed 20104584 (cited by Labcorp Genetics (formerly Invitae), Labcorp); PubMed 29446198 (cited by Labcorp Genetics (formerly Invitae), Labcorp and Quest Diagnostics Nichols Institute San Juan Capistrano); PubMed 28152038 (cited by Quest Diagnostics Nichols Institute San Juan Capistrano); PubMed 26295337 (cited by Quest Diagnostics Nichols Institute San Juan Capistrano).

NM_007294.4(BRCA1):c.3761_3762insTT (p.Lys1254fs)

Genes: BRCA1 (BRCA1 DNA repair associated; minus strand), LOC126862571 (BRD4-independent group 4 enhancer GRCh37_chr17:41243136-41244335; plus strand). Cytogenetic location: 17q21.31.
Variant type: Insertion.
Coding change: c.3761_3762insTT on transcript NM_007294.4 (MANE Select); coding-DNA positions 3761 to 3762, TT inserted.
Protein change: p.Lys1254fs; shifts the reading frame from lysine 1254.
Molecular consequence: frameshift variant. On other transcripts: intron variant (135).
Genome position: GRCh38 VCF-style: chr17-43091769-C-CAA. GRCh37 (hg19) VCF-style: chr17-41243786-C-CAA.
Other names: 3880insTT; c.3548_3549insTT, p.Lys1183fs (NM_001407571.1, NM_001407853.1, NM_001407894.1 and 9 more transcripts); c.3761_3762insTT, p.Lys1254fs (NM_001407581.1, NM_001407582.1, NM_001407583.1 and 30 more transcripts); c.3758_3759insTT, p.Lys1253fs (NM_001407587.1, NM_001407590.1, NM_001407591.1 and 22 more transcripts); c.3752_3753insTT, p.Lys1251fs (NM_001407646.1, NM_001407647.1); c.3638_3639insTT, p.Lys1213fs (NM_001407648.1, NM_001407664.1, NM_001407665.1 and 19 more transcripts); c.3635_3636insTT, p.Lys1212fs (NM_001407649.1, NM_001407670.1, NM_001407671.1 and 11 more transcripts); c.3683_3684insTT, p.Lys1228fs (NM_001407653.1, NM_001407654.1, NM_001407655.1 and 4 more transcripts); and 42 more; short protein forms K1207fs, K1254fs, K1086fs, K1126fs, K1127fs, K1165fs, K1183fs, K1184fs.
Identifiers: ClinVar variation 91614 (VCV000091614.18), dbSNP rs80357928, ClinGen allele CA002417.